The following is an entry in ClinVar:

NM_001854.4(COL11A1):c.1483T>A (p.Leu495Ile)

Gene: COL11A1 (collagen type XI alpha 1 chain; minus strand). Cytogenetic location: 1p21.1.
Variant type: single nucleotide variant.
Coding change: c.1483T>A on transcript NM_001854.4 (MANE Select); coding-DNA position 1483, T replaced by A.
Protein change: p.Leu495Ile; replaces leucine 495 with isoleucine.
Molecular consequence: missense variant. On other transcripts: non-coding transcript variant (1).
Genome position (GRCh38, 1-based): chr1:103,015,673, A>T on the plus strand (T>A on the coding strand, the complement: COL11A1 is on the minus strand). VCF-style: chr1-103015673-A-T. GRCh37 (hg19) VCF-style: chr1-103481229-A-T.
Other names: c.1519T>A, p.Leu507Ile (NM_080629.3); c.1135T>A, p.Leu379Ile (NM_080630.4, NM_001168249.1); c.1366T>A, p.Leu456Ile (NM_001190709.2); short protein forms L495I, L456I, L379I, L507I.
Identifiers: ClinVar variation 2694078 (VCV002694078.3), dbSNP rs2525502330, ClinGen allele CA341179449.

ClinVar aggregate classification (germline): Uncertain significance (1 of 4 stars; one submission).

Submission:

Labcorp Genetics (formerly Invitae), Labcorp
Classification: Uncertain significance. Last evaluated: 2025-01-29. Review status: criteria provided, single submitter. Criteria: Invitae Variant Classification Sherloc (09022015). Collection method: clinical testing. Allele origin: germline.
Comment: This sequence change replaces leucine, which is neutral and non-polar, with isoleucine, which is neutral and non-polar, at codon 495 of the COL11A1 protein (p.Leu495Ile). This variant is not present in population databases (gnomAD no frequency). This variant has not been reported in the literature in individuals affected with COL11A1-related conditions. ClinVar contains an entry for this variant (Variation ID: 2694078). Invitae Evidence Modeling of protein sequence and biophysical properties (such as structural, functional, and spatial information, amino acid conservation, physicochemical variation, residue mobility, and thermodynamic stability) indicates that this missense variant is not expected to disrupt COL11A1 protein function with a negative predictive value of 80%. In summary, the available evidence is currently insufficient to determine the role of this variant in disease. Therefore, it has been classified as a Variant of Uncertain Significance.